The following is an entry in ClinVar:

ClinVar aggregate classification (germline): Pathogenic/Likely pathogenic. Review status: criteria provided, multiple submitters, no conflicts (2 of 4 stars). 4 submissions from 4 submitters: Pathogenic (1); Likely pathogenic (2). 1 of the submissions does not count toward it. Last evaluated 2026-08-07.

Conditions:
KRT1-related disorder. Also called: KRT1-related condition.

Allele frequency attached by ClinVar (database versions not stated): gnomAD exomes below 0.00001; TOPMed below 0.00001.
gnomAD v4.1: 1 of 1,614,178 alleles (0.000062%); highest among the groups gnomAD compares: Non-Finnish European, 0.000085%; no homozygotes.

Submissions (4):

GeneDx
Classification: Likely pathogenic. Last evaluated: 2026-08-07. Review status: criteria provided, single submitter. Criteria: GeneDx Variant Classification Process June 2021. Collection method: clinical testing. Allele origin: germline.
Comment: In silico analysis supports that this missense variant has a deleterious effect on protein structure/function; This variant is associated with the following publications: (PMID: 32226330, 35623459, 33190098, 32927888, 27421141, 1709652, 16439967, 18795921, 26581228, 30288772)

Labcorp Genetics (formerly Invitae), Labcorp
Classification: Likely pathogenic. Last evaluated: 2025-05-18. Review status: criteria provided, single submitter. Criteria: Invitae Variant Classification Sherloc (09022015). Collection method: clinical testing. Allele origin: germline.
Comment: This sequence change replaces serine, which is neutral and polar, with leucine, which is neutral and non-polar, at codon 233 of the KRT1 protein (p.Ser233Leu). This variant is not present in population databases (gnomAD no frequency). This missense change has been observed in individuals with KRT1-related conditions (PMID: 16439967, 30288772; internal data). ClinVar contains an entry for this variant (Variation ID: 66662). Invitae Evidence Modeling of protein sequence and biophysical properties (such as structural, functional, and spatial information, amino acid conservation, physicochemical variation, residue mobility, and thermodynamic stability) indicates that this missense variant is not expected to disrupt KRT1 protein function with a negative predictive value of 95%. In summary, the currently available evidence indicates that the variant is pathogenic, but additional data are needed to prove that conclusively. Therefore, this variant has been classified as Likely Pathogenic.

Blueprint Genetics
Classification: Pathogenic for KRT1-related disorders. Last evaluated: 2021-12-16. Review status: criteria provided, single submitter. Criteria: ACMG Guidelines, 2015. Collection method: clinical testing. Allele origin: germline. Affected: yes. Observed: 1 variant allele.

Epithelial Biology;  Institute of Medical Biology, Singapore
No classification provided. Review status: no classification provided. Collection method: not provided. Allele origin: not provided. Not counted in ClinVar's aggregate classification.

Literature cited by the submitters: PubMed 16439967 (cited by Labcorp Genetics (formerly Invitae), Labcorp); PubMed 30288772 (cited by Labcorp Genetics (formerly Invitae), Labcorp).

NM_006121.4(KRT1):c.698C>T (p.Ser233Leu)

Gene: KRT1 (keratin 1; minus strand). Cytogenetic location: 12q13.13.
Variant type: single nucleotide variant.
Coding change: c.698C>T on transcript NM_006121.4 (MANE Select); coding-DNA position 698, C replaced by T.
Protein change: p.Ser233Leu; replaces serine 233 with leucine.
Molecular consequence: missense variant.
Genome position (GRCh38, 1-based): chr12:52,678,650, G>A on the plus strand (C>T on the coding strand, the complement: KRT1 is on the minus strand). VCF-style: chr12-52678650-G-A. GRCh37 (hg19) VCF-style: chr12-53072434-G-A.
Other names: short protein forms S233L.
Identifiers: ClinVar variation 66662 (VCV000066662.9), dbSNP rs60297570, ClinGen allele CA217474.